The following is an entry in ClinVar:

NM_022455.5(NSD1):c.5423A>T (p.His1808Leu)

Genes: NSD1 (nuclear receptor binding SET domain protein 1; plus strand), LOC126807619 (MED14-independent group 3 enhancer GRCh37_chr5:176696443-176697642; plus strand). Cytogenetic location: 5q35.3.
Variant type: single nucleotide variant.
Coding change: c.5423A>T on transcript NM_022455.5 (MANE Select); coding-DNA position 5423, A replaced by T.
Protein change: p.His1808Leu; replaces histidine 1808 with leucine.
Molecular consequence: missense variant.
Genome position (GRCh38, 1-based): chr5:177,269,721, A>T. VCF-style: chr5-177269721-A-T. GRCh37 (hg19) VCF-style: chr5-176696722-A-T.
Other names: c.4550A>T, p.His1517Leu (NM_001365684.2, NM_001409308.1, NM_001409309.1 and 1 more transcripts); c.5423A>T, p.His1808Leu (NM_001409301.1, NM_001409302.1, NM_001409303.1); c.5003A>T, p.His1668Leu (NM_001409304.1); c.4670A>T, p.His1557Leu (NM_001409305.1); c.4661A>T, p.His1554Leu (NM_001409306.1, NM_001409307.1); short protein forms H1517L, H1554L, H1557L, H1668L, H1808L.
Identifiers: ClinVar variation 3367604 (VCV003367604.1).

ClinVar aggregate classification (germline): Uncertain significance (1 of 4 stars; one submission).

Submission:

GeneDx
Classification: Uncertain significance. Last evaluated: 2024-01-04. Review status: criteria provided, single submitter. Criteria: GeneDx Variant Classification Process June 2021. Collection method: clinical testing. Allele origin: germline. Affected: yes.
Comment: Not observed at significant frequency in large population cohorts (gnomAD); In silico analysis supports that this missense variant has a deleterious effect on protein structure/function; Has not been previously published as pathogenic or benign to our knowledge